The following is an entry in ClinVar:

ClinVar aggregate classification (germline): Likely benign (1 of 4 stars; one submission).

Submission:

CeGaT Center for Human Genetics Tuebingen
Classification: Likely benign. Last evaluated: 2024-03-01. Review status: criteria provided, single submitter. Criteria: CeGaT Center For Human Genetics Tuebingen Variant Classification Criteria Version 2. Collection method: clinical testing. Allele origin: germline. Affected: yes. Observed: 1 variant allele.
Comment: CAND2: PM2:Supporting, BP4, BP7

NM_001162499.2(CAND2):c.2040C>T (p.Ala680=)

Gene: CAND2 (cullin associated and neddylation dissociated 2 (putative); plus strand). Cytogenetic location: 3p25.2.
Variant type: single nucleotide variant.
Coding change: c.2040C>T on transcript NM_001162499.2 (MANE Select); coding-DNA position 2040, C replaced by T.
Protein change: p.Ala680=; no amino-acid change (alanine 680 retained).
Molecular consequence: synonymous variant.
Genome position (GRCh38, 1-based): chr3:12,816,972, C>T. VCF-style: chr3-12816972-C-T. GRCh37 (hg19) VCF-style: chr3-12858471-C-T.
Other names: c.1761C>T, p.Ala587= (NM_012298.3).
Identifiers: ClinVar variation 3234324 (VCV003234324.20), dbSNP rs2470942263, ClinGen allele CA432523454.